The following is an entry in ClinVar:

NM_000059.4(BRCA2):c.1775A>T (p.Tyr592Phe)

Gene: BRCA2 (BRCA2 DNA repair associated; plus strand). Cytogenetic location: 13q13.1.
Variant type: single nucleotide variant.
Coding change: c.1775A>T on transcript NM_000059.4 (MANE Select); coding-DNA position 1775, A replaced by T.
Protein change: p.Tyr592Phe; replaces tyrosine 592 with phenylalanine.
Molecular consequence: missense variant.
Genome position (GRCh38, 1-based): chr13:32,333,253, A>T. VCF-style: chr13-32333253-A-T. GRCh37 (hg19) VCF-style: chr13-32907390-A-T.
Other names: short protein forms Y592F.
Identifiers: ClinVar variation 820050 (VCV000820050.15), dbSNP rs772156559, ClinGen allele CA387765665.

ClinVar aggregate classification (germline): Conflicting classifications of pathogenicity. Review status: criteria provided, conflicting classifications (1 of 4 stars). 3 submissions from 3 submitters: Uncertain significance (2); Likely benign (1). Last evaluated 2024-03-16.

Conditions:
Hereditary breast ovarian cancer syndrome. Also called: Hereditary breast and/or ovarian cancer syndrome; BRCA1- and BRCA2-Associated Hereditary Breast and Ovarian Cancer; Hereditary breast and ovarian cancer syndrome; Hereditary breast and ovarian cancer; Hereditary breast and ovarian cancer syndrome (HBOC); Breast and ovarian cancer. Identifiers: Orphanet 145, MedGen C0677776, MeSH D061325, MONDO:0003582. Disease mechanism: loss of function.
Hereditary cancer-predisposing syndrome. Also called: Neoplastic Syndromes, Hereditary; Tumor predisposition; Hereditary Cancer Syndrome; Hereditary neoplastic syndrome. Identifiers: Orphanet 140162, MedGen C0027672, MeSH D009386, MONDO:0015356.

Allele frequency attached by ClinVar (database versions not stated): TOPMed 0.00002.

Submissions (3):

Labcorp Genetics (formerly Invitae), Labcorp
Classification: Uncertain significance for Hereditary breast ovarian cancer syndrome. Last evaluated: 2024-03-16. Review status: criteria provided, single submitter. Criteria: Invitae Variant Classification Sherloc (09022015). Collection method: clinical testing. Allele origin: germline.
Comment: This sequence change replaces tyrosine, which is neutral and polar, with phenylalanine, which is neutral and non-polar, at codon 592 of the BRCA2 protein (p.Tyr592Phe). This variant is not present in population databases (gnomAD no frequency). This variant has not been reported in the literature in individuals affected with BRCA2-related conditions. ClinVar contains an entry for this variant (Variation ID: 820050). Advanced modeling of protein sequence and biophysical properties (such as structural, functional, and spatial information, amino acid conservation, physicochemical variation, residue mobility, and thermodynamic stability) performed at Invitae indicates that this missense variant is not expected to disrupt BRCA2 protein function with a negative predictive value of 95%. In summary, the available evidence is currently insufficient to determine the role of this variant in disease. Therefore, it has been classified as a Variant of Uncertain Significance.

University of Washington Department of Laboratory Medicine, University of Washington
Classification: Likely benign for Hereditary cancer-predisposing syndrome. Last evaluated: 2023-03-23. Review status: criteria provided, single submitter. Criteria: Dines et al. (Genet Med. 2020). Collection method: curation. Allele origin: germline.
Comment: Missense variant in a coldspot region where missense variants are very unlikely to be pathogenic (PMID:31911673).

BRCA2 exon 10 coldspot. Reclassification based on statistical prior probability.

Ambry Genetics
Classification: Uncertain significance for Hereditary cancer-predisposing syndrome. Last evaluated: 2020-09-30. Review status: criteria provided, single submitter. Criteria: Ambry Variant Classification Scheme 2023. Collection method: clinical testing. Allele origin: germline.
Comment: The p.Y592F variant (also known as c.1775A>T), located in coding exon 9 of the BRCA2 gene, results from an A to T substitution at nucleotide position 1775. The tyrosine at codon 592 is replaced by phenylalanine, an amino acid with highly similar properties. This alteration was not observed in unselected male breast cancer patients and was observed with an allele frequency of 0.0001 in 12490 male controls of Japanese ancestry (Momozawa Y et al. Nat Commun, 2018 10;9:4083). This amino acid position is highly conserved in available vertebrate species. In addition, this alteration is predicted to be tolerated by in silico analysis. Since supporting evidence is limited at this time, the clinical significance of this alteration remains unclear.

Literature cited by the submitters: PubMed 29884841 (cited by Ambry Genetics); PubMed 30287823 (cited by Ambry Genetics).